The following is an entry in ClinVar:

NM_001083116.3(PRF1):c.757G>A (p.Glu253Lys)

Gene: PRF1 (perforin 1; minus strand). Cytogenetic location: 10q22.1.
Variant type: single nucleotide variant.
Coding change: c.757G>A on transcript NM_001083116.3 (MANE Select); coding-DNA position 757, G replaced by A.
Protein change: p.Glu253Lys; replaces glutamic acid 253 with lysine.
Molecular consequence: missense variant.
Genome position (GRCh38, 1-based): chr10:70,598,964, C>T on the plus strand (G>A on the coding strand, the complement: PRF1 is on the minus strand). VCF-style: chr10-70598964-C-T. GRCh37 (hg19) VCF-style: chr10-72358720-C-T.
Other names: c.757G>A (NM_001083116.1); c.757G>A, p.Glu253Lys (NM_005041.6); short protein forms E253K.
Identifiers: ClinVar variation 1498158 (VCV001498158.10), dbSNP rs771076819, ClinGen allele CA5538922.

ClinVar aggregate classification (germline): Conflicting classifications of pathogenicity. Review status: criteria provided, conflicting classifications (1 of 4 stars). 4 submissions from 4 submitters: Pathogenic (2); Likely pathogenic (1); Uncertain significance (1). Last evaluated 2024-11-29.

Conditions:
Familial hemophagocytic lymphohistiocytosis 2 (FHL2). Also called: PRF1-Related Familial Hemophagocytic Lymphohistiocytosis (PRF1-fHLH). Identifiers: Orphanet 540, MedGen C1863727, MONDO:0011337, OMIM 603553.
Aplastic anemia. Identifiers: Orphanet 182040, Orphanet 88, MedGen C0002874, MONDO:0015909, OMIM 609135, HP:0001915.

Allele frequency attached by ClinVar (database versions not stated): gnomAD 0.00001; gnomAD exomes 0.00001 and 0.00002; TOPMed 0.00001; ExAC 0.00003.
gnomAD v4.1: 16 of 1,614,122 alleles (0.00099%); highest among the groups gnomAD compares: South Asian, 0.0011%; no homozygotes.

Submissions (4):

Labcorp Genetics (formerly Invitae), Labcorp
Classification: Likely pathogenic for Familial hemophagocytic lymphohistiocytosis 2. Last evaluated: 2024-11-29. Review status: criteria provided, single submitter. Criteria: Invitae Variant Classification Sherloc (09022015). Collection method: clinical testing. Allele origin: germline.
Comment: This sequence change replaces glutamic acid, which is acidic and polar, with lysine, which is basic and polar, at codon 253 of the PRF1 protein (p.Glu253Lys). This variant is present in population databases (rs771076819, gnomAD 0.008%). This missense change has been observed in individual(s) with hemophagocytic lymphohistiocytosis (PMID: 17356398, 21959744, 27209435). In at least one individual the data is consistent with being in trans (on the opposite chromosome) from a pathogenic variant. ClinVar contains an entry for this variant (Variation ID: 1498158). Invitae Evidence Modeling of protein sequence and biophysical properties (such as structural, functional, and spatial information, amino acid conservation, physicochemical variation, residue mobility, and thermodynamic stability) has been performed for this missense variant. However, the output from this modeling did not meet the statistical confidence thresholds required to predict the impact of this variant on PRF1 protein function. In summary, the currently available evidence indicates that the variant is pathogenic, but additional data are needed to prove that conclusively. Therefore, this variant has been classified as Likely Pathogenic.

GeneDx
Classification: Uncertain significance. Last evaluated: 2023-09-13. Review status: criteria provided, single submitter. Criteria: GeneDx Variant Classification Process June 2021. Collection method: clinical testing. Allele origin: germline. Affected: yes.
Comment: In silico analysis supports that this missense variant has a deleterious effect on protein structure/function; This variant is associated with the following publications: (PMID: 23592409, 21959744, 27209435, 17356398, 27781387, 36007526)

Baylor Genetics
Classification: Pathogenic for Aplastic anemia. Last evaluated: 2022-12-15. Review status: criteria provided, single submitter. Criteria: ACMG Guidelines, 2015. Collection method: clinical testing. Allele origin: unknown.

Rady Children's Institute for Genomic Medicine, Rady Children's Hospital San Diego
Classification: Pathogenic for HEMOPHAGOCYTIC LYMPHOHISTIOCYTOSIS, FAMILIAL, 2. Review status: criteria provided, single submitter. Criteria: ACMG Guidelines, 2015. Collection method: clinical testing. Allele origin: germline. Affected: yes.
Comment: This variant has been previously reported as a compound heterozygous change in patients with familial hemophagocytic lymphohistiocytosis (FHL) (PMID: 17356398, 21959744, 27781387). It is present in the heterozygous state in the gnomAD population database at a frequency of 0.002% (7/282824) and thus is presumed to be rare. The c.757G>A (p.Glu253Lys) variant is predicted by multiple in silico tools to have a deleterious effect on protein function. Based on the available evidence, the c.757G>A (p.Glu253Lys) variant is classified as Pathogenic.

Literature cited by the submitters: PubMed 17356398 (cited by Labcorp Genetics (formerly Invitae), Labcorp); PubMed 21959744 (cited by Labcorp Genetics (formerly Invitae), Labcorp); PubMed 27209435 (cited by Labcorp Genetics (formerly Invitae), Labcorp).